The following is an entry in ClinVar:

ClinVar aggregate classification (germline): Uncertain significance (1 of 4 stars; one submission).

Conditions:
Inborn genetic diseases. Identifiers: MedGen C0950123, MeSH D030342.

Submission:

Ambry Genetics
Classification: Uncertain significance for Inborn genetic diseases. Last evaluated: 2024-11-26. Review status: criteria provided, single submitter. Criteria: Ambry Variant Classification Scheme 2023. Collection method: clinical testing. Allele origin: germline.
Comment: The p.H582Y variant (also known as c.1744C>T), located in coding exon 13 of the FANCG gene, results from a C to T substitution at nucleotide position 1744. The histidine at codon 582 is replaced by tyrosine, an amino acid with similar properties. This amino acid position is conserved. In addition, this alteration is predicted to be tolerated by in silico analysis. Based on the available evidence, the clinical significance of this variant remains unclear.

NM_004629.2(FANCG):c.1744C>T (p.His582Tyr)

Gene: FANCG (FA complementation group G; minus strand). Cytogenetic location: 9p13.3.
Variant type: single nucleotide variant.
Coding change: c.1744C>T on transcript NM_004629.2 (MANE Select); coding-DNA position 1744, C replaced by T.
Protein change: p.His582Tyr; replaces histidine 582 with tyrosine.
Molecular consequence: missense variant.
Genome position (GRCh38, 1-based): chr9:35,074,387, G>A on the plus strand (C>T on the coding strand, the complement: FANCG is on the minus strand). VCF-style: chr9-35074387-G-A. GRCh37 (hg19) VCF-style: chr9-35074384-G-A.
Other names: short protein forms H582Y.
Identifiers: ClinVar variation 3512851 (VCV003512851.1).
Genomic context (GRCh38, chr9:35,074,387, plus strand): 5'-CACCAACTGCCCCTCAGCCCCAAGCCAGCAGGCCTGAGCCTCACCACAGAGCATCTTCAT[G>A]TGACCCCTTAGTTTGGGCCTCCAGCCTCCACCAGAGTGCAGTGGCCTCATCCCTCCGATC-3'
Protein context (NP_004620.1, residues 572-592): WRLEAQTKGS[His582Tyr]EDALWSLPLY